The following is an entry in ClinVar:

ClinVar aggregate classification (germline): Uncertain significance (1 of 4 stars; one submission).

Allele frequency attached by ClinVar (database versions not stated): gnomAD exomes 0.00001.
gnomAD v4.1: 16 of 1,614,030 alleles (0.00099%); highest among the groups gnomAD compares: Non-Finnish European, 0.0014%; no homozygotes.

Submission:

Labcorp Genetics (formerly Invitae), Labcorp
Classification: Uncertain significance. Last evaluated: 2023-11-24. Review status: criteria provided, single submitter. Criteria: Invitae Variant Classification Sherloc (09022015). Collection method: clinical testing. Allele origin: germline.
Comment: This sequence change replaces threonine, which is neutral and polar, with alanine, which is neutral and non-polar, at codon 1435 of the RP1 protein (p.Thr1435Ala). This variant is present in population databases (no rsID available, gnomAD 0.002%). This variant has not been reported in the literature in individuals affected with RP1-related conditions. ClinVar contains an entry for this variant (Variation ID: 2131955). Algorithms developed to predict the effect of missense changes on protein structure and function output the following: SIFT: "Not Available"; PolyPhen-2: "Benign"; Align-GVGD: "Not Available". The alanine amino acid residue is found in multiple mammalian species, which suggests that this missense change does not adversely affect protein function. In summary, the available evidence is currently insufficient to determine the role of this variant in disease. Therefore, it has been classified as a Variant of Uncertain Significance.

NM_006269.2(RP1):c.4303A>G (p.Thr1435Ala)

Gene: RP1 (RP1 axonemal microtubule associated; plus strand). Cytogenetic location: 8q12.1.
Variant type: single nucleotide variant.
Coding change: c.4303A>G on transcript NM_006269.2 (MANE Select); coding-DNA position 4303, A replaced by G.
Protein change: p.Thr1435Ala; replaces threonine 1435 with alanine.
Molecular consequence: missense variant. On other transcripts: intron variant (1).
Genome position (GRCh38, 1-based): chr8:54,628,185, A>G. VCF-style: chr8-54628185-A-G. GRCh37 (hg19) VCF-style: chr8-55540745-A-G.
Other names: c.787+5897A>G (NM_001375654.1); short protein forms T1435A.
Identifiers: ClinVar variation 2131955 (VCV002131955.4), dbSNP rs989859876, ClinGen allele CA177181668.